The following is an entry in ClinVar:

NM_000179.3(MSH6):c.3847_3851delinsTA (p.Ile1283_Thr1284delinsTer)

Gene: MSH6 (mutS homolog 6; plus strand). Cytogenetic location: 2p16.3.
Variant type: Indel.
Coding change: c.3847_3851delinsTA on transcript NM_000179.3 (MANE Select); coding-DNA positions 3847 to 3851, ATTAC replaced by TA.
Protein change: p.Ile1283_Thr1284delinsTer.
Molecular consequence: nonsense.
Genome position (GRCh38, 1-based): chr2:47,806,497-47,806,501, ATTAC replaced by TA. VCF-style: chr2-47806497-ATTAC-TA. GRCh37 (hg19) VCF-style: chr2-48033636-ATTAC-TA.
Other names: c.3457_3461delinsTA, p.Ile1153_Thr1154delinsTer (NM_001281492.2); c.2941_2945delinsTA, p.Ile981_Thr982delinsTer (NM_001281493.2, NM_001281494.2); c.3847_3851delATTACinsTA (NM_000179.2).
Identifiers: ClinVar variation 3398973 (VCV003398973.1), dbSNP rs1572746634.

ClinVar aggregate classification (germline): Pathogenic (1 of 4 stars; one submission).

Conditions:
Hereditary cancer-predisposing syndrome. Also called: Hereditary Cancer Syndrome; Tumor predisposition; Hereditary neoplastic syndrome; Neoplastic Syndromes, Hereditary. Identifiers: Orphanet 140162, MedGen C0027672, MeSH D009386, MONDO:0015356.

Submission:

Ambry Genetics
Classification: Pathogenic for Hereditary cancer-predisposing syndrome. Last evaluated: 2024-12-05. Review status: criteria provided, single submitter. Criteria: Ambry Variant Classification Scheme 2023. Collection method: clinical testing. Allele origin: germline.
Comment: The c.3847_3851delATTACinsTA pathogenic mutation, located in coding exon 9 of the MSH6 gene, results from an in-frame deletion of ATTAC and insertion of TA at nucleotide positions 3847 to 3851, resulting in an immediate stop codon (p.I1283*). This variant is considered to be rare based on population cohorts in the Genome Aggregation Database (gnomAD). This alteration is expected to result in loss of function by premature protein truncation or nonsense-mediated mRNA decay. As such, this alteration is interpreted as a disease-causing mutation.